The following is an entry in ClinVar:

ClinVar aggregate classification (germline): Uncertain significance (1 of 4 stars; one submission).

Conditions:
ALG6-congenital disorder of glycosylation 1C (CDG1C). Also called: CDG Ic; CARBOHYDRATE-DEFICIENT GLYCOPROTEIN SYNDROME, TYPE I, WITH DEFICIENT GLYCOSYLATION OF DOLICHOL-LINKED OLIGOSACCHARIDE; CARBOHYDRATE-DEFICIENT GLYCOPROTEIN SYNDROME, TYPE V; Congenital disorder of glycosylation type 1C; Congenital disorder of glycosylation, type Ic. Identifiers: Orphanet 79320, MedGen C2930997, MONDO:0011291, OMIM 603147.

Submission:

Labcorp Genetics (formerly Invitae), Labcorp
Classification: Uncertain significance for ALG6-congenital disorder of glycosylation 1C. Last evaluated: 2022-08-16. Review status: criteria provided, single submitter. Criteria: Invitae Variant Classification Sherloc (09022015). Collection method: clinical testing. Allele origin: germline.
Comment: This sequence change replaces cysteine, which is neutral and slightly polar, with arginine, which is basic and polar, at codon 356 of the ALG6 protein (p.Cys356Arg). This variant is not present in population databases (gnomAD no frequency). This variant has not been reported in the literature in individuals affected with ALG6-related conditions. Algorithms developed to predict the effect of missense changes on protein structure and function are either unavailable or do not agree on the potential impact of this missense change (SIFT: "Tolerated"; PolyPhen-2: "Probably Damaging"; Align-GVGD: "Class C0"). Algorithms developed to predict the effect of sequence changes on RNA splicing suggest that this variant may create or strengthen a splice site. In summary, the available evidence is currently insufficient to determine the role of this variant in disease. Therefore, it has been classified as a Variant of Uncertain Significance.

NM_013339.4(ALG6):c.1066T>C (p.Cys356Arg)

Gene: ALG6 (ALG6 alpha-1,3-glucosyltransferase; plus strand). Cytogenetic location: 1p31.3.
Variant type: single nucleotide variant.
Coding change: c.1066T>C on transcript NM_013339.4 (MANE Select); coding-DNA position 1066, T replaced by C.
Protein change: p.Cys356Arg; replaces cysteine 356 with arginine.
Molecular consequence: missense variant.
Genome position (GRCh38, 1-based): chr1:63,428,740, T>C. VCF-style: chr1-63428740-T-C. GRCh37 (hg19) VCF-style: chr1-63894411-T-C.
Other names: short protein forms C356R.
Identifiers: ClinVar variation 1966237 (VCV001966237.2), dbSNP rs2523793311, ClinGen allele CA340639757.
Genomic context (GRCh38, chr1:63,428,740, plus strand): 5'-GAGTTGAAGTTATATTCTGTAATATTAAAATATTTTTTTCTTTACGATTTTAGACCAGTC[T>C]GCTTAGTTTTAAGTGAAATTCCTTTTATGTCTACTTGGTTTTTACTTGTGTCAACATTTA-3'
Protein context (NP_037471.2, residues 346-366): KSILLVSLPV[Cys356Arg]LVLSEIPFMS